The following is an entry in ClinVar:

ClinVar aggregate classification (germline): Uncertain significance (1 of 4 stars; one submission).

Allele frequency attached by ClinVar (database versions not stated): gnomAD 0.00001.
gnomAD v4.1: 11 of 1,604,390 alleles (0.00069%); highest among the groups gnomAD compares: Middle Eastern, 0.016%; no homozygotes.

Submission:

Labcorp Genetics (formerly Invitae), Labcorp
Classification: Uncertain significance. Last evaluated: 2022-04-21. Review status: criteria provided, single submitter. Criteria: Invitae Variant Classification Sherloc (09022015). Collection method: clinical testing. Allele origin: germline.
Comment: This sequence change replaces arginine, which is basic and polar, with glycine, which is neutral and non-polar, at codon 180 of the HPS6 protein (p.Arg180Gly). This variant is not present in population databases (gnomAD no frequency). This variant has not been reported in the literature in individuals affected with HPS6-related conditions. Algorithms developed to predict the effect of missense changes on protein structure and function (SIFT, PolyPhen-2, Align-GVGD) all suggest that this variant is likely to be tolerated. In summary, the available evidence is currently insufficient to determine the role of this variant in disease. Therefore, it has been classified as a Variant of Uncertain Significance.

NM_024747.6(HPS6):c.538C>G (p.Arg180Gly)

Gene: HPS6 (HPS6 biogenesis of lysosomal organelles complex 2 subunit 3; plus strand). Cytogenetic location: 10q24.32.
Variant type: single nucleotide variant.
Coding change: c.538C>G on transcript NM_024747.6 (MANE Select); coding-DNA position 538, C replaced by G.
Protein change: p.Arg180Gly; replaces arginine 180 with glycine.
Molecular consequence: missense variant.
Genome position (GRCh38, 1-based): chr10:102,066,012, C>G. VCF-style: chr10-102066012-C-G. GRCh37 (hg19) VCF-style: chr10-103825769-C-G.
Other names: short protein forms R180G.
Identifiers: ClinVar variation 1374930 (VCV001374930.3), dbSNP rs750622914, ClinGen allele CA377857971.
Genomic context (GRCh38, chr10:102,066,012, plus strand): 5'-AGCCACTGTGTGTGCGTCCGGACTCTGGAGCCCAGCGGGGAAGCTAGCACCAGCCTGGGC[C>G]GCACACACGTCCTGCTGCACCACTGCCCTGCCTTCGGGCTGCTGGCCTCCTGCAGACAAC-3'
Protein context (NP_079023.2, residues 170-190): PSGEASTSLG[Arg180Gly]THVLLHHCPA